The following is an entry in ClinVar:

ClinVar aggregate classification (germline): not provided (0 of 4 stars; one submission).

Conditions:
Familial long QT syndrome (RWS). Also called: Congenital long QT syndrome; Romano-Ward syndrome; VENTRICULAR FIBRILLATION WITH PROLONGED QT INTERVAL. Identifiers: Orphanet 768, MedGen C1141890, MONDO:0019171.

Submission:

Cardiovascular Biomedical Research Unit, Royal Brompton & Harefield NHS Foundation Trust
No classification provided. Condition: Familial long QT syndrome. Review status: no classification provided. Collection method: literature only. Allele origin: germline.
Comment: This variant has been reported as associated with Long QT syndrome in the following publications (PMID:20541041). This is a literature report, and does not necessarily reflect the clinical interpretation of the Imperial College / Royal Brompton Cardiovascular Genetics laboratory.

Literature cited by the submitters: PubMed 20541041; PubMed 22581653.

NM_000218.3(KCNQ1):c.931A>G (p.Thr311Ala)

Gene: KCNQ1 (potassium voltage-gated channel subfamily Q member 1; plus strand). Cytogenetic location: 11p15.5.
Variant type: single nucleotide variant.
Coding change: c.931A>G on transcript NM_000218.3 (MANE Select); coding-DNA position 931, A replaced by G.
Protein change: p.Thr311Ala; replaces threonine 311 with alanine.
Molecular consequence: missense variant.
Genome position (GRCh38, 1-based): chr11:2,583,444, A>G. VCF-style: chr11-2583444-A-G. GRCh37 (hg19) VCF-style: chr11-2604674-A-G.
Other names: c.931A>G (LRG_287t1); c.931A>G, p.Thr311Ala (NM_001406836.1); c.661A>G, p.Thr221Ala (NM_001406837.1); c.487A>G, p.Thr163Ala (NM_001406838.1); c.550A>G, p.Thr184Ala (NM_181798.2); short protein forms T311A, T184A, T221A, T163A.
Identifiers: ClinVar variation 67125 (VCV000067125.3), dbSNP rs199473469, ClinGen allele CA008744.